The following is an entry in ClinVar:

NM_006269.2(RP1):c.407A>C (p.His136Pro)

Gene: RP1 (RP1 axonemal microtubule associated; plus strand). Cytogenetic location: 8q12.1.
Variant type: single nucleotide variant.
Coding change: c.407A>C on transcript NM_006269.2 (MANE Select); coding-DNA position 407, A replaced by C.
Protein change: p.His136Pro; replaces histidine 136 with proline.
Molecular consequence: missense variant.
Genome position (GRCh38, 1-based): chr8:54,621,373, A>C. VCF-style: chr8-54621373-A-C. GRCh37 (hg19) VCF-style: chr8-55533933-A-C.
Other names: c.407A>C, p.His136Pro (NM_001375654.1); short protein forms H136P.
Identifiers: ClinVar variation 1479760 (VCV001479760.9), dbSNP rs1322496871, ClinGen allele CA370986661.

ClinVar aggregate classification (germline): Uncertain significance. Review status: criteria provided, multiple submitters, no conflicts (2 of 4 stars). 2 submissions from 2 submitters: Uncertain significance (2). Last evaluated 2022-03-10.

Allele frequency attached by ClinVar (database versions not stated): gnomAD exomes 0.00001.
gnomAD v4.1: 5 of 1,612,540 alleles (0.00031%); highest among the groups gnomAD compares: Non-Finnish European, 0.00034%; no homozygotes.

Submissions (2):

Labcorp Genetics (formerly Invitae), Labcorp
Classification: Uncertain significance. Last evaluated: 2022-03-10. Review status: criteria provided, single submitter. Criteria: Invitae Variant Classification Sherloc (09022015). Collection method: clinical testing. Allele origin: germline.
Comment: This sequence change replaces histidine, which is basic and polar, with proline, which is neutral and non-polar, at codon 136 of the RP1 protein (p.His136Pro). This variant is present in population databases (no rsID available, gnomAD 0.003%). This variant has not been reported in the literature in individuals affected with RP1-related conditions. Algorithms developed to predict the effect of missense changes on protein structure and function output the following: SIFT: "Deleterious"; PolyPhen-2: "Benign"; Align-GVGD: "Class C65". The proline amino acid residue is found in multiple mammalian species, which suggests that this missense change does not adversely affect protein function. In summary, the available evidence is currently insufficient to determine the role of this variant in disease. Therefore, it has been classified as a Variant of Uncertain Significance.

Blueprint Genetics
Classification: Uncertain significance. Last evaluated: 2020-09-24. Review status: criteria provided, single submitter. Criteria: ACMG Guidelines, 2015. Collection method: clinical testing. Allele origin: germline.